The following is an entry in ClinVar:

ClinVar aggregate classification (germline): Uncertain significance (1 of 4 stars; one submission).

Conditions:
Severe combined immunodeficiency, autosomal recessive, T cell-negative, B cell-negative, NK cell-positive. Also called: SCID, T CELL-NEGATIVE, B CELL-NEGATIVE, NK CELL-POSITIVE; Severe combined immunodeficiency due to complete RAG1/2 deficiency; SCID, AR, T-cell negative, B-cell negative, NK cell-positive. Identifiers: Orphanet 331206, MedGen C1832322, MONDO:0011086, OMIM 601457.
Combined immunodeficiency with skin granulomas. Identifiers: Orphanet 157949, MedGen C2673536, MONDO:0009306, OMIM 233650.

Allele frequency attached by ClinVar (database versions not stated): gnomAD exomes below 0.00001 and 0.00002; ExAC 0.00002; gnomAD 0.00003 and 0.00004; TOPMed 0.00005; ESP Exome Variant Server 0.00023.
gnomAD v4.1: 6 of 1,613,998 alleles (0.00037%); highest among the groups gnomAD compares: African/African-American, 0.008%; no homozygotes.

Submission:

Labcorp Genetics (formerly Invitae), Labcorp
Classification: Uncertain significance for Combined immunodeficiency with skin granulomas; Severe combined immunodeficiency, autosomal recessive, T cell-negative, B cell-negative, NK cell-positive. Last evaluated: 2021-08-24. Review status: criteria provided, single submitter. Criteria: Invitae Variant Classification Sherloc (09022015). Collection method: clinical testing. Allele origin: germline.
Comment: This sequence change replaces aspartic acid with valine at codon 576 of the RAG1 protein (p.Asp576Val). The aspartic acid residue is highly conserved and there is a large physicochemical difference between aspartic acid and valine. This variant is present in population databases (rs142333735, ExAC 0.02%). This variant has not been reported in the literature in individuals affected with RAG1-related conditions. Algorithms developed to predict the effect of missense changes on protein structure and function are either unavailable or do not agree on the potential impact of this missense change (SIFT: "Deleterious"; PolyPhen-2: "Probably Damaging"; Align-GVGD: "Class C0"). In summary, the available evidence is currently insufficient to determine the role of this variant in disease. Therefore, it has been classified as a Variant of Uncertain Significance.

NM_000448.3(RAG1):c.1727A>T (p.Asp576Val)

Gene: RAG1 (recombination activating 1; plus strand). Cytogenetic location: 11p12.
Variant type: single nucleotide variant.
Coding change: c.1727A>T on transcript NM_000448.3 (MANE Select); coding-DNA position 1727, A replaced by T.
Protein change: p.Asp576Val; replaces aspartic acid 576 with valine.
Molecular consequence: missense variant.
Genome position (GRCh38, 1-based): chr11:36,575,031, A>T. VCF-style: chr11-36575031-A-T. GRCh37 (hg19) VCF-style: chr11-36596581-A-T.
Other names: c.1727A>T, p.Asp576Val (NM_001377277.1, NM_001377278.1, NM_001377279.1 and 1 more transcripts); short protein forms D576V.
Identifiers: ClinVar variation 1039824 (VCV001039824.6), dbSNP rs142333735, ClinGen allele CA5950176.